The following is an entry in ClinVar:

NM_000812.4(GABRB1):c.554C>T (p.Thr185Ile)

Gene: GABRB1 (gamma-aminobutyric acid type A receptor subunit beta1; plus strand). Cytogenetic location: 4p12.
Variant type: single nucleotide variant.
Coding change: c.554C>T on transcript NM_000812.4 (MANE Select); coding-DNA position 554, C replaced by T.
Protein change: p.Thr185Ile; replaces threonine 185 with isoleucine.
Molecular consequence: missense variant.
Genome position (GRCh38, 1-based): chr4:47,403,327, C>T. VCF-style: chr4-47403327-C-T. GRCh37 (hg19) VCF-style: chr4-47405344-C-T.
Other names: short protein forms T185I.
Identifiers: ClinVar variation 3778754 (VCV003778754.1).

ClinVar aggregate classification (germline): Uncertain significance (1 of 4 stars; one submission).

Conditions:
Developmental and epileptic encephalopathy, 45 (DEE45). Also called: Epileptic encephalopathy, early infantile, 45. Identifiers: MedGen C4310691, MONDO:0014942, OMIM 617153.

Submission:

Institute of Human Genetics, University of Leipzig Medical Center
Classification: Uncertain significance for Developmental and epileptic encephalopathy, 45. Last evaluated: 2025-03-24. Review status: criteria provided, single submitter. Criteria: ACMG Guidelines, 2015. Collection method: clinical testing. Allele origin: unknown. Inheritance: Autosomal dominant inheritance. Affected: yes.
Comment: Criteria applied: PM2,PP3